The following is an entry in ClinVar:

ClinVar aggregate classification (germline): Uncertain significance (1 of 4 stars; one submission).

Conditions:
Combined immunodeficiency with skin granulomas. Identifiers: Orphanet 157949, MedGen C2673536, MONDO:0009306, OMIM 233650.
Severe combined immunodeficiency, autosomal recessive, T cell-negative, B cell-negative, NK cell-positive. Also called: SCID, T CELL-NEGATIVE, B CELL-NEGATIVE, NK CELL-POSITIVE; SCID, AR, T-cell negative, B-cell negative, NK cell-positive; Severe combined immunodeficiency due to complete RAG1/2 deficiency. Identifiers: Orphanet 331206, MedGen C1832322, MONDO:0011086, OMIM 601457.

Allele frequency attached by ClinVar (database versions not stated): gnomAD exomes below 0.00001 and 0.00001; TOPMed below 0.00001; ExAC 0.00002.

Submission:

Labcorp Genetics (formerly Invitae), Labcorp
Classification: Uncertain significance for Combined immunodeficiency with skin granulomas; Severe combined immunodeficiency, autosomal recessive, T cell-negative, B cell-negative, NK cell-positive. Last evaluated: 2024-12-12. Review status: criteria provided, single submitter. Criteria: Invitae Variant Classification Sherloc (09022015). Collection method: clinical testing. Allele origin: germline.
Comment: This sequence change replaces serine, which is neutral and polar, with phenylalanine, which is neutral and non-polar, at codon 259 of the RAG2 protein (p.Ser259Phe). This variant is present in population databases (rs758697173, gnomAD 0.006%). This variant has not been reported in the literature in individuals affected with RAG2-related conditions. ClinVar contains an entry for this variant (Variation ID: 1420433). Invitae Evidence Modeling of protein sequence and biophysical properties (such as structural, functional, and spatial information, amino acid conservation, physicochemical variation, residue mobility, and thermodynamic stability) indicates that this missense variant is expected to disrupt RAG2 protein function with a positive predictive value of 95%. In summary, the available evidence is currently insufficient to determine the role of this variant in disease. Therefore, it has been classified as a Variant of Uncertain Significance.

NM_000536.4(RAG2):c.776C>T (p.Ser259Phe)

Gene: RAG2 (recombination activating 2; minus strand). Cytogenetic location: 11p12.
Variant type: single nucleotide variant.
Coding change: c.776C>T on transcript NM_000536.4 (MANE Select); coding-DNA position 776, C replaced by T.
Protein change: p.Ser259Phe; replaces serine 259 with phenylalanine.
Molecular consequence: missense variant.
Genome position (GRCh38, 1-based): chr11:36,593,393, G>A on the plus strand (C>T on the coding strand, the complement: RAG2 is on the minus strand). VCF-style: chr11-36593393-G-A. GRCh37 (hg19) VCF-style: chr11-36614943-G-A.
Other names: c.776C>T, p.Ser259Phe (NM_001243785.2, NM_001243786.2); short protein forms S259F.
Identifiers: ClinVar variation 1420433 (VCV001420433.6), dbSNP rs758697173, ClinGen allele CA5950527.